The following is an entry in ClinVar:

ClinVar aggregate classification (germline): Uncertain significance (1 of 4 stars; one submission).

Conditions:
Inborn genetic diseases. Identifiers: MedGen C0950123, MeSH D030342.

gnomAD v4.1: 1 of 1,610,098 alleles (0.000062%); highest among the groups gnomAD compares: Non-Finnish European, 0.000085%; no homozygotes.

Submission:

Ambry Genetics
Classification: Uncertain significance for Inborn genetic diseases. Last evaluated: 2025-07-07. Review status: criteria provided, single submitter. Criteria: Ambry Variant Classification Scheme 2023. Collection method: clinical testing. Allele origin: germline.
Comment: The p.M30L variant (also known as c.88A>C), located in coding exon 1 of the PIK3CA gene, results from an A to C substitution at nucleotide position 88. The methionine at codon 30 is replaced by leucine, an amino acid with highly similar properties. This amino acid position is conserved. In addition, the in silico prediction for this alteration is inconclusive. Based on the available evidence, the clinical significance of this variant remains unclear.

NM_006218.4(PIK3CA):c.88A>C (p.Met30Leu)

Gene: PIK3CA (phosphatidylinositol-4,5-bisphosphate 3-kinase catalytic subunit alpha; plus strand). Cytogenetic location: 3q26.32.
Variant type: single nucleotide variant.
Coding change: c.88A>C on transcript NM_006218.4 (MANE Select); coding-DNA position 88, A replaced by C.
Protein change: p.Met30Leu; replaces methionine 30 with leucine.
Molecular consequence: missense variant.
Genome position (GRCh38, 1-based): chr3:179,198,913, A>C. VCF-style: chr3-179198913-A-C. GRCh37 (hg19) VCF-style: chr3-178916701-A-C.
Other names: short protein forms M30L.
Identifiers: ClinVar variation 4136775 (VCV004136775.1).